The following is an entry in ClinVar:

ClinVar aggregate classification (germline): Pathogenic/Likely pathogenic. Review status: criteria provided, multiple submitters, no conflicts (2 of 4 stars). 5 submissions from 5 submitters: Pathogenic (4); Likely pathogenic (1). Last evaluated 2026-06-02.

Conditions:
Hereditary cancer-predisposing syndrome. Also called: Hereditary Cancer Syndrome; Hereditary neoplastic syndrome; Neoplastic Syndromes, Hereditary; Tumor predisposition. Identifiers: Orphanet 140162, MedGen C0027672, MeSH D009386, MONDO:0015356.
ATM-related cancer predisposition. Also called: ATM-related cancer susceptibility. Identifiers: MedGen CN377759, MONDO:0700270.
Familial cancer of breast. Also called: BREAST CANCER, FAMILIAL; Hereditary breast cancer; hereditary breast carcinoma. Identifiers: Orphanet 227535, MedGen C0346153, MONDO:0016419, OMIM 114480. Disease mechanism: loss of function.
Ataxia-telangiectasia syndrome (AT). Also called: LOUIS-BAR SYNDROME; Cerebello-oculocutaneous telangiectasia; Immunodeficiency with ataxia telangiectasia; Ataxia-telangiectasia, complementation group E; Ataxia-telangiectasia, complementation group D; AT, COMPLEMENTATION GROUP C. Identifiers: Orphanet 100, MedGen C0004135, MONDO:0008840, OMIM 208900.

gnomAD v4.1: 1 of 1,613,978 alleles (0.000062%); highest among the groups gnomAD compares: South Asian, 0.0011%; no homozygotes.

Submissions (5):

Ambry Genetics
Classification: Pathogenic for Hereditary cancer-predisposing syndrome. Last evaluated: 2026-06-02. Review status: criteria provided, single submitter. Criteria: Ambry Variant Classification Scheme 2023. Collection method: clinical testing. Allele origin: germline.
Comment: The p.W2344* pathogenic mutation (also known as c.7031G>A), located in coding exon 47 of the ATM gene, results from a G to A substitution at nucleotide position 7031. This changes the amino acid from a tryptophan to a stop codon within coding exon 47. This variant is considered to be rare based on population cohorts in the Genome Aggregation Database (gnomAD). This variant is expected to result in loss of function by premature protein truncation or nonsense-mediated mRNA decay. As such, this variant is interpreted as a disease-causing mutation.

Dasa
Classification: Pathogenic for ATM-related cancer predisposition. Last evaluated: 2026-01-17. Review status: criteria provided, single submitter. Criteria: DASA Assertion Criteria. Collection method: clinical testing. Allele origin: germline.
Comment: NM_000051.4(ATM):c.7031G>A (p.Trp2344*) introduces a premature termination codon predicted to result in loss of normal protein function. Loss-of-function is an established mechanism of disease for this gene. The affected residue or protein region has prior evidence supporting clinical relevance. The variant is present at low frequency in population datasets. Based on the available data, this variant is classified as pathogenic.

Department of Pathology and Laboratory Medicine, Sinai Health System
Classification: Pathogenic for ATM-related cancer predisposition. Last evaluated: 2024-11-19. Review status: criteria provided, single submitter. Criteria: ACMG Guidelines, 2015. Collection method: clinical testing. Allele origin: germline.

Fulgent Genetics
Classification: Likely pathogenic for Familial cancer of breast; Ataxia-telangiectasia syndrome. Last evaluated: 2024-04-05. Review status: criteria provided, single submitter. Criteria: ACMG Guidelines, 2015. Collection method: clinical testing. Allele origin: germline.

Baylor Genetics
Classification: Pathogenic for Familial cancer of breast. Last evaluated: 2021-09-22. Review status: criteria provided, single submitter. Criteria: ACMG Guidelines, 2015. Collection method: clinical testing. Allele origin: unknown.

NM_000051.4(ATM):c.7031G>A (p.Trp2344Ter)

Genes: ATM (ATM serine/threonine kinase; plus strand), C11orf65 (chromosome 11 open reading frame 65; minus strand). Cytogenetic location: 11q22.3.
Variant type: single nucleotide variant.
Coding change: c.7031G>A on transcript NM_000051.4 (MANE Select); coding-DNA position 7031, G replaced by A.
Protein change: p.Trp2344Ter; replaces tryptophan 2344 with a stop codon.
Molecular consequence: nonsense. On other transcripts: intron variant (2).
Genome position (GRCh38, 1-based): chr11:108,327,700, G>A. VCF-style: chr11-108327700-G-A. GRCh37 (hg19) VCF-style: chr11-108198427-G-A.
Other names: c.7031G>A, p.Trp2344Ter (NM_001351834.2); c.641-18629C>T (NM_001330368.2); c.*38+7520C>T (NM_001351110.2); c.7031G>A (NM_000051.1); short protein forms W2344*.
Identifiers: ClinVar variation 2679782 (VCV002679782.5), dbSNP rs1479487529, ClinGen allele CA382558841.
Genomic context (GRCh38, chr11:108,327,700, plus strand): 5'-TACAGAACAATCCCAGCCTAAAACTTACATACACAGAATGTCTGAGGGTTTGTGGCAACT[G>A]GTTAGCAGAAACGTGCTTAGAAAATCCTGCGGTCATCATGCAGACCTATCTAGAAAAGGT-3'